The following is an entry in ClinVar:

ClinVar aggregate classification (germline): Uncertain significance (1 of 4 stars; one submission).

Conditions:
Hereditary cancer-predisposing syndrome. Also called: Neoplastic Syndromes, Hereditary; Tumor predisposition; Hereditary neoplastic syndrome; Hereditary Cancer Syndrome. Identifiers: Orphanet 140162, MedGen C0027672, MeSH D009386, MONDO:0015356.

Submission:

Ambry Genetics
Classification: Uncertain significance for Hereditary cancer-predisposing syndrome. Last evaluated: 2024-01-25. Review status: criteria provided, single submitter. Criteria: Ambry Variant Classification Scheme 2023. Collection method: clinical testing. Allele origin: germline.
Comment: The p.R132W variant (also known as c.394C>T), located in coding exon 1 of the GREM1 gene, results from a C to T substitution at nucleotide position 394. The arginine at codon 132 is replaced by tryptophan, an amino acid with dissimilar properties. This amino acid position is conserved. In addition, the in silico prediction for this alteration is inconclusive. Based on the available evidence, the clinical significance of this alteration remains unclear.

NM_013372.7(GREM1):c.394C>T (p.Arg132Trp)

Gene: GREM1 (gremlin 1, DAN family BMP antagonist; plus strand). Cytogenetic location: 15q13.3.
Variant type: single nucleotide variant.
Coding change: c.394C>T on transcript NM_013372.7 (MANE Select); coding-DNA position 394, C replaced by T.
Protein change: p.Arg132Trp; replaces arginine 132 with tryptophan.
Molecular consequence: missense variant.
Genome position (GRCh38, 1-based): chr15:32,731,084, C>T. VCF-style: chr15-32731084-C-T. GRCh37 (hg19) VCF-style: chr15-33023285-C-T.
Other names: c.184C>T, p.Arg62Trp (NM_001191322.2); c.271C>T, p.Arg91Trp (NM_001191323.2); c.394C>T, p.Arg132Trp (NM_001368719.1); short protein forms R132W, R62W, R91W.
Identifiers: ClinVar variation 3226266 (VCV003226266.1), dbSNP rs777740546, ClinGen allele CA268513501.